The following is an entry in ClinVar:

NM_001267550.2(TTN):c.28519_28520del (p.Glu9507fs)

Gene: TTN (titin; minus strand). Cytogenetic location: 2q31.2.
Variant type: Deletion.
Coding change: c.28519_28520del on transcript NM_001267550.2 (MANE Select); coding-DNA positions 28519 to 28520, 2 bases deleted (GA; older notation c.28519_28520delGA).
Protein change: p.Glu9507fs; shifts the reading frame from glutamic acid 9507.
Molecular consequence: frameshift variant. On other transcripts: intron variant (3).
Genome position (GRCh38, 1-based): chr2:178,709,799-178,709,800, TC deleted on the plus strand (GA on the coding strand, the reverse complement: TTN is on the minus strand); deleting any 2 consecutive bases within chr2:178,709,799-178,709,801 gives the same sequence; the c. name uses the placement nearest the transcript's 3' end. VCF-style (leftmost placement, unchanged base first): chr2-178709798-TTC-T. GRCh37 (hg19) VCF-style: chr2-179574525-TTC-T.
Other names: c.27568_27569del, p.Glu9190fs (NM_001256850.1); c.24787_24788del, p.Glu8263fs (NM_133378.4); c.13282+28282_13282+28283del (NM_003319.4); c.13858+28282_13858+28283del (NM_133437.4); c.13657+28282_13657+28283del (NM_133432.3); short protein forms E8263fs, E9507fs, E9190fs.
Identifiers: ClinVar variation 4784764 (VCV004784764.1).
Genomic context (GRCh38, chr2:178,709,798, plus strand): 5'-CCAGGCAACAGTTATAGGTTGGGAACCAGCCACACGTCCCTCAAGTTTGAAAGAATTCCC[TTC>T]TGTTTCTTCTACTGTCTCTGAGAGTCTTTTAGTGAAACTTGGTGGGATGAGCCGCTCTAT-3'

ClinVar aggregate classification (germline): Likely pathogenic (1 of 4 stars; one submission).

Conditions:
Autosomal recessive limb-girdle muscular dystrophy type 2J (LGMDR10). Also called: Limb-girdle muscular dystrophy, type 2J; MUSCULAR DYSTROPHY, LIMB-GIRDLE, AUTOSOMAL RECESSIVE 10. Identifiers: Orphanet 140922, MedGen C1837342, MONDO:0012127, OMIM 608807.
Dilated cardiomyopathy 1G (CMD1G). Identifiers: Orphanet 154, MedGen C1858763, MONDO:0011400, OMIM 604145.

Submission:

Labcorp Genetics (formerly Invitae), Labcorp
Classification: Likely pathogenic for Dilated cardiomyopathy 1G; Autosomal recessive limb-girdle muscular dystrophy type 2J. Last evaluated: 2025-04-19. Review status: criteria provided, single submitter. Criteria: Invitae Variant Classification Sherloc (09022015). Collection method: clinical testing. Allele origin: germline.
Comment: This sequence change creates a premature translational stop signal (p.Glu9507Argfs*7) in the TTN gene. While this is not anticipated to result in nonsense mediated decay, it is expected to create a truncated TTN protein. This variant is not present in population databases (gnomAD no frequency). This variant has not been reported in the literature in individuals affected with TTN-related conditions. Algorithms developed to predict the effect of sequence changes on RNA splicing suggest that this variant may disrupt the consensus splice site. This variant is located in the I band of TTN (PMID: 25589632). Truncating variants in this region have been reported in individuals affected with autosomal recessive centronuclear myopathy (PMID: 23975875, internal data). Truncating variants in this region have also been identified in individuals affected with autosomal dominant dilated cardiomyopathy and/or cardio-related conditions (PMID: 27869827, 32964742, internal data). In summary, the currently available evidence indicates that the variant is pathogenic, but additional data are needed to prove that conclusively. Therefore, this variant has been classified as Likely Pathogenic.

Literature cited by the submitters: PubMed 25589632; PubMed 23975875; PubMed 27869827; PubMed 32964742.